The following is an entry in ClinVar:

ClinVar aggregate classification (germline): Uncertain significance (1 of 4 stars; one submission).

Submission:

GeneDx
Classification: Uncertain significance. Last evaluated: 2026-04-27. Review status: criteria provided, single submitter. Criteria: GeneDx Variant Classification Process June 2021. Collection method: clinical testing. Allele origin: germline.
Comment: Not observed at significant frequency in large population cohorts (gnomAD); In silico analysis supports that this missense variant has a deleterious effect on protein structure/function; Has not been previously published as pathogenic or benign to our knowledge

NM_000810.4(GABRA5):c.472G>C (p.Asp158His)

Gene: GABRA5 (gamma-aminobutyric acid type A receptor subunit alpha5; plus strand). Cytogenetic location: 15q12.
Variant type: single nucleotide variant.
Coding change: c.472G>C on transcript NM_000810.4 (MANE Select); coding-DNA position 472, G replaced by C.
Protein change: p.Asp158His; replaces aspartic acid 158 with histidine.
Molecular consequence: missense variant.
Genome position (GRCh38, 1-based): chr15:26,883,532, G>C. VCF-style: chr15-26883532-G-C. GRCh37 (hg19) VCF-style: chr15-27128679-G-C.
Other names: c.472G>C, p.Asp158His (NM_001165037.2); short protein forms D158H.
Identifiers: ClinVar variation 3368680 (VCV003368680.2).
Genomic context (GRCh38, chr15:26,883,532, plus strand): 5'-GGGAAGAAGTCCATCGCTCACAACATGACCACGCCCAACAAGCTGCTGCGGCTGGAGGAC[G>C]ACGGCACCCTGCTCTACACCATGCGGTGAGCGCCGGGCGGGGGCGGGCGGGGCCGGGGGA-3'
Protein context (NP_000801.1, residues 148-168): TPNKLLRLED[Asp158His]GTLLYTMRLT